The following is an entry in ClinVar:

NM_007294.4(BRCA1):c.1075C>T (p.Pro359Ser)

Gene: BRCA1 (BRCA1 DNA repair associated; minus strand). Cytogenetic location: 17q21.31.
Variant type: single nucleotide variant.
Coding change: c.1075C>T on transcript NM_007294.4 (MANE Select); coding-DNA position 1075, C replaced by T.
Protein change: p.Pro359Ser; replaces proline 359 with serine.
Molecular consequence: missense variant. On other transcripts: intron variant (137).
Genome position (GRCh38, 1-based): chr17:43,094,456, G>A on the plus strand (C>T on the coding strand, the complement: BRCA1 is on the minus strand). VCF-style: chr17-43094456-G-A. GRCh37 (hg19) VCF-style: chr17-41246473-G-A.
Other names: c.862C>T, p.Pro288Ser (NM_001407571.1, NM_001407898.1, NM_001407899.1 and 9 more transcripts); c.1075C>T, p.Pro359Ser (NM_001407581.1, NM_001407582.1, NM_001407583.1 and 30 more transcripts); c.1072C>T, p.Pro358Ser (NM_001407587.1, NM_001407590.1, NM_001407591.1 and 22 more transcripts); c.1066C>T, p.Pro356Ser (NM_001407647.1, NM_001407646.1); c.952C>T, p.Pro318Ser (NM_001407648.1, NM_001407668.1, NM_001407669.1 and 19 more transcripts); c.949C>T, p.Pro317Ser (NM_001407649.1, NM_001407670.1, NM_001407671.1 and 11 more transcripts); c.997C>T, p.Pro333Ser (NM_001407653.1, NM_001407654.1, NM_001407655.1 and 4 more transcripts); c.934C>T, p.Pro312Ser (NM_001407692.1, NM_001407694.1, NM_001407695.1 and 29 more transcripts); and 40 more; short protein forms P359S, P312S, P191S, P232S, P271S, P288S, P291S, P318S.
Identifiers: ClinVar variation 252384 (VCV000252384.28), dbSNP rs767666190, ClinGen allele CA057022.

ClinVar aggregate classification (germline): Conflicting classifications of pathogenicity. Review status: criteria provided, conflicting classifications (1 of 4 stars). 8 submissions from 8 submitters: Uncertain significance (5); Likely benign (2). 1 of the submissions does not count toward it. Last evaluated 2025-09-13.

Conditions:
Hereditary cancer-predisposing syndrome. Also called: Hereditary Cancer Syndrome; Neoplastic Syndromes, Hereditary; Hereditary neoplastic syndrome; Tumor predisposition. Identifiers: Orphanet 140162, MedGen C0027672, MeSH D009386, MONDO:0015356.
Hereditary breast ovarian cancer syndrome. Also called: Hereditary breast and ovarian cancer syndrome (HBOC); Breast and ovarian cancer; Hereditary breast and ovarian cancer syndrome; Hereditary breast and ovarian cancer; BRCA1- and BRCA2-Associated Hereditary Breast and Ovarian Cancer; Hereditary breast and/or ovarian cancer syndrome. Identifiers: Orphanet 145, MedGen C0677776, MeSH D061325, MONDO:0003582. Disease mechanism: loss of function.
Breast-ovarian cancer, familial, susceptibility to, 1 (BROVCA1). Also called: BRCA1 Hereditary Breast and Ovarian Cancer; OVARIAN CANCER, SUSCEPTIBILITY TO. Identifiers: Orphanet 145, MedGen C2676676, MONDO:0011450, OMIM 604370. Disease mechanism: loss of function.

Allele frequency attached by ClinVar (database versions not stated): gnomAD exomes below 0.00001 and 0.00001; ExAC 0.00001.
gnomAD v4.1: 13 of 1,613,962 alleles (0.00081%); highest among the groups gnomAD compares: South Asian, 0.0044%; no homozygotes.

Submissions (8):

Ambry Genetics
Classification: Uncertain significance for Hereditary cancer-predisposing syndrome. Last evaluated: 2025-09-13. Review status: criteria provided, single submitter. Criteria: Ambry Variant Classification Scheme 2023. Collection method: clinical testing. Allele origin: germline.
Comment: The p.P359S variant (also known as c.1075C>T), located in coding exon 9 of the BRCA1 gene, results from a C to T substitution at nucleotide position 1075. The proline at codon 359 is replaced by serine, an amino acid with similar properties. In a study of whole-exome sequencing in patients with features of Cowden syndrome (CS) or Bannayan-Riley-Ruvalcaba syndrome (BRRS) and negative PTEN testing, this alteration was identified in 0/87 patients with CS or BRRS and 1/3476 patients from The Cancer Genome Atlas (TCGA) (Yehia L et al. PLoS Genet, 2018 04;14:e1007352). This amino acid position is not well conserved in available vertebrate species. In addition, the in silico prediction for this alteration is inconclusive. Since supporting evidence is limited at this time, the clinical significance of this alteration remains unclear.

Color Diagnostics, LLC DBA Color Health
Classification: Uncertain significance for Hereditary cancer-predisposing syndrome. Last evaluated: 2025-06-20. Review status: criteria provided, single submitter. Criteria: ACMG Guidelines, 2015. Collection method: clinical testing. Allele origin: germline.
Comment: This missense variant replaces proline with serine at codon 359 of the BRCA1 protein. Computational prediction is inconclusive regarding the impact of this variant on protein structure and function. To our knowledge, functional studies have not been reported for this variant. This variant has been detected in a breast cancer case-control meta-analysis in 3/60466 cases and 1/53461 unaffected individuals (PMID: 33471991Leiden Open Variation Database DB-ID BRCA1_006537). This variant has been detected in a breast cancer case-control meta-analysis in 3/60466 cases and 1/53461 unaffected individuals (PMID: 33471991Leiden Open Variation Database DB-ID BRCA1_006537). Multifactorial analyses have provided likelihood ratios (LR) reaching a combined LR of 0.4761 based on co-occurrence with a pathogenic variant and personal and family history for one carrier (PMID: 31853058, 33471991). This variant has been identified in 1/251032 chromosomes in the general population by the Genome Aggregation Database (gnomAD). The available evidence is insufficient to determine the role of this variant in disease conclusively. Therefore, this variant is classified as a Variant of Uncertain Significance.

Women's Health and Genetics/Laboratory Corporation of America, LabCorp
Classification: Uncertain significance. Last evaluated: 2025-03-19. Review status: criteria provided, single submitter. Criteria: LabCorp Variant Classification Summary - May 2015. Collection method: clinical testing. Allele origin: germline.
Comment: Variant summary: BRCA1 c.1075C>T (p.Pro359Ser) results in a non-conservative amino acid change in the encoded protein sequence. Four of five in-silico tools predict a benign effect of the variant on protein function. The variant allele was found at a frequency of 4e-06 in 251032 control chromosomes. The available data on variant occurrences in the general population are insufficient to allow any conclusion about variant significance. To our knowledge, no occurrence of c.1075C>T in individuals affected with Hereditary Breast And Ovarian Cancer Syndrome and no experimental evidence demonstrating its impact on protein function have been reported. ClinVar contains an entry for this variant (Variation ID: 252384). Based on the evidence outlined above, the variant was classified as uncertain significance.

Labcorp Genetics (formerly Invitae), Labcorp
Classification: Likely benign for Hereditary breast ovarian cancer syndrome. Last evaluated: 2025-03-04. Review status: criteria provided, single submitter. Criteria: Invitae Variant Classification Sherloc (09022015). Collection method: clinical testing. Allele origin: germline.

All of Us Research Program, National Institutes of Health
Classification: Uncertain significance for Breast-ovarian cancer, familial, susceptibility to, 1. Last evaluated: 2023-11-30. Review status: criteria provided, single submitter. Criteria: ACMG Guidelines, 2015. Collection method: clinical testing. Allele origin: germline. Inheritance: Autosomal dominant inheritance. Observed: 1 variant allele, 1 heterozygote.
Comment: This missense variant replaces proline with serine at codon 359 of the BRCA1 protein. Computational prediction is inconclusive regarding the impact of this variant on protein structure and function (internally defined REVEL score threshold 0.5 < inconclusive < 0.7, PMID: 27666373). To our knowledge, functional studies have not been reported for this variant. This variant has not been reported in individuals affected with hereditary cancer in the literature. This variant has been identified in 1/251032 chromosomes in the general population by the Genome Aggregation Database (gnomAD). The available evidence is insufficient to determine the role of this variant in disease conclusively. Therefore, this variant is classified as a Variant of Uncertain Significance.

This study involves interpretation of variants in research participants for the purpose of population health screening. Participant phenotype was not available at the time of variant classification. Additional details can be found in publication PMID: 35346344, PMCID: PMC8962531

University of Washington Department of Laboratory Medicine, University of Washington
Classification: Likely benign for Hereditary cancer-predisposing syndrome. Last evaluated: 2023-03-23. Review status: criteria provided, single submitter. Criteria: Dines et al. (Genet Med. 2020). Collection method: curation. Allele origin: germline.
Comment: Missense variant in a coldspot region where missense variants are very unlikely to be pathogenic (PMID:31911673).

BRCA1 coldspot (exon 11 using historical exon numbering). Reclassification based on statistical prior probability

Quest Diagnostics Nichols Institute San Juan Capistrano
Classification: Uncertain significance for Breast-ovarian cancer, familial, susceptibility to, 1. Last evaluated: 2016-03-04. Review status: criteria provided, single submitter. Criteria: Quest Diagnostics criteria. Collection method: clinical testing. Allele origin: germline. Inheritance: Autosomal dominant inheritance.

Counsyl
Classification: Uncertain significance for Breast-ovarian cancer, familial, susceptibility to, 1. Last evaluated: 2017-05-15. Review status: no assertion criteria provided. Collection method: clinical testing. Allele origin: unknown. Not counted in ClinVar's aggregate classification.

Literature cited by the submitters: PubMed 29684080 (cited by Ambry Genetics); PubMed 31131967 (cited by Ambry Genetics); PubMed 31853058 (cited by Color Diagnostics, LLC DBA Color Health); PubMed 33471991 (cited by Color Diagnostics, LLC DBA Color Health); PubMed 16267036 (cited by Quest Diagnostics Nichols Institute San Juan Capistrano and Counsyl); PubMed 26295337 (cited by Quest Diagnostics Nichols Institute San Juan Capistrano).